The following is an entry in ClinVar:

NM_001083619.3(GRIA2):c.778T>C (p.Phe260Leu)

Gene: GRIA2 (glutamate ionotropic receptor AMPA type subunit 2; plus strand). Cytogenetic location: 4q32.1.
Variant type: single nucleotide variant.
Coding change: c.778T>C on transcript NM_001083619.3 (MANE Select); coding-DNA position 778, T replaced by C.
Protein change: p.Phe260Leu; replaces phenylalanine 260 with leucine.
Molecular consequence: missense variant.
Genome position (GRCh38, 1-based): chr4:157,321,495, T>C. VCF-style: chr4-157321495-T-C. GRCh37 (hg19) VCF-style: chr4-158242647-T-C.
Other names: c.778T>C, p.Phe260Leu (NM_000826.6); c.637T>C, p.Phe213Leu (NM_001083620.3, NM_001379000.3, NM_001379001.3); short protein forms F213L, F260L.
Identifiers: ClinVar variation 3731543 (VCV003731543.1).

ClinVar aggregate classification (germline): Uncertain significance (1 of 4 stars; one submission).

Conditions:
Neurodevelopmental disorder with language impairment and behavioral abnormalities. Also called: GRIA2-related neurodevelopmental disorder. Identifiers: MedGen C5394502, MONDO:0030060, OMIM 618917.

gnomAD v4.1: 2 of 1,609,188 alleles (0.00012%); highest among the groups gnomAD compares: Non-Finnish European, 0.00017%; no homozygotes.

Submission:

Neuberg Centre For Genomic Medicine, NCGM
Classification: Uncertain significance for Neurodevelopmental disorder with language impairment and behavioral abnormalities. Last evaluated: 2023-06-22. Review status: criteria provided, single submitter. Criteria: ACMG Guidelines, 2015. Collection method: clinical testing. Allele origin: germline. Inheritance: Autosomal dominant inheritance. Affected: yes.
Comment: The missense c.778T>C (p.Phe260Leu) variant in GRIA2 gene has not been reported previously as a pathogenic variant nor as a benign variant, to our knowledge. The observed variant is absent in gnomAD exomes database. This variant has not been submitted to the ClinVar database. Multiple lines of computational evidence (Polyphen - probably damaging, SIFT - damaging and MutationTaster - disease causing) predict a damaging effect on protein structure and function for this variant. The amino acid change p.Phe260Leu in GRIA2 is predicted as conserved by GERP++ and PhyloP across 100 vertebrates. The amino acid Phe at position 260 is changed to a Leu changing protein sequence and it might alter its composition and physico-chemical properties. For these reasons, this variant has been classified as Uncertain Significance (VUS).